The following is an entry in ClinVar:

NM_006059.4(LAMC3):c.2773C>T (p.Gln925Ter)

Gene: LAMC3 (laminin subunit gamma 3; plus strand). Cytogenetic location: 9q34.12.
Variant type: single nucleotide variant.
Coding change: c.2773C>T on transcript NM_006059.4 (MANE Select); coding-DNA position 2773, C replaced by T.
Protein change: p.Gln925Ter; replaces glutamine 925 with a stop codon.
Molecular consequence: nonsense.
Genome position (GRCh38, 1-based): chr9:131,068,933, C>T. VCF-style: chr9-131068933-C-T. GRCh37 (hg19) VCF-style: chr9-133944320-C-T.
Other names: short protein forms Q925*.
Identifiers: ClinVar variation 2844059 (VCV002844059.3), dbSNP rs1829991127, ClinGen allele CA375254579.

ClinVar aggregate classification (germline): Pathogenic (1 of 4 stars; one submission).

gnomAD v4.1: 1 of 1,614,066 alleles (0.000062%); highest among the groups gnomAD compares: South Asian, 0.0011%; no homozygotes.

Submission:

Labcorp Genetics (formerly Invitae), Labcorp
Classification: Pathogenic. Last evaluated: 2025-03-10. Review status: criteria provided, single submitter. Criteria: Invitae Variant Classification Sherloc (09022015). Collection method: clinical testing. Allele origin: germline.
Comment: This sequence change creates a premature translational stop signal (p.Gln925*) in the LAMC3 gene. It is expected to result in an absent or disrupted protein product. Loss-of-function variants in LAMC3 are known to be pathogenic (PMID: 21572413, 26802095). This variant is not present in population databases (gnomAD no frequency). This variant has not been reported in the literature in individuals affected with LAMC3-related conditions. ClinVar contains an entry for this variant (Variation ID: 2844059). For these reasons, this variant has been classified as Pathogenic.

Literature cited by the submitters: PubMed 21572413; PubMed 26802095.